The following is an entry in ClinVar:

NM_000337.6(SGCD):c.*7814C>T

Gene: SGCD (sarcoglycan delta; plus strand). Cytogenetic location: 5q33.3.
Variant type: single nucleotide variant.
Coding change: c.*7814C>T on transcript NM_000337.6 (MANE Select); 7814 bases downstream of the stop codon, C replaced by T.
Molecular consequence: 3 prime UTR variant.
Genome position (GRCh38, 1-based): chr5:156,767,204, C>T. VCF-style: chr5-156767204-C-T. GRCh37 (hg19) VCF-style: chr5-156194215-C-T.
Other names: c.*7814C>T (NM_001128209.2).
Identifiers: ClinVar variation 352445 (VCV000352445.7), dbSNP rs56233900, ClinGen allele CA10621065.

ClinVar aggregate classification (germline): Benign/Likely benign. Review status: criteria provided, multiple submitters, no conflicts (2 of 4 stars). 2 submissions from 2 submitters: Benign (1); Likely benign (1). Last evaluated 2018-01-12.

Conditions:
Qualitative or quantitative defects of delta-sarcoglycan. Identifiers: Orphanet 207070, MedGen C5680806, MONDO:0016144.

Allele frequency attached by ClinVar (database versions not stated): gnomAD 0.08591 and 0.08817; TOPMed 0.09595; 1000 Genomes Project 0.10204; 1000 Genomes Project 30x 0.10525.

Submissions (2):

Illumina Laboratory Services, Illumina
Classification: Benign for Qualitative or quantitative defects of delta-sarcoglycan. Last evaluated: 2018-01-12. Review status: criteria provided, single submitter. Criteria: ICSL Variant Classification Criteria 13 December 2019. Collection method: clinical testing. Allele origin: germline.
Comment: This variant was observed in the ICSL laboratory as part of a predisposition screen in an ostensibly healthy population. It had not been previously curated by ICSL or reported in the Human Gene Mutation Database (HGMD: prior to June 1st, 2018), and was therefore a candidate for classification through an automated scoring system. Utilizing variant allele frequency, disease prevalence and penetrance estimates, and inheritance mode, an automated score was calculated to assess if this variant is too frequent to cause the disease. Based on the score and internal cut-off values, a variant classified as benign is not then subjected to further curation. The score for this variant resulted in a classification of benign for this disease.

Breakthrough Genomics
Classification: Likely benign. Review status: criteria provided, single submitter. Criteria: ACMG Guidelines, 2015. Collection method: not provided. Allele origin: germline. Inheritance: Autosomal recessive inheritance. Affected: yes.